The following is an entry in ClinVar:

ClinVar aggregate classification (germline): Uncertain significance (1 of 4 stars; one submission).

Conditions:
Early-infantile DEE. Also called: Ohtahara syndrome; Early infantile epileptic encephalopathy with suppression bursts; Early infantile epileptic encephalopathy. Identifiers: Orphanet 1934, MedGen C0393706, MONDO:0800491.

Allele frequency attached by ClinVar (database versions not stated): gnomAD 0.00001.
gnomAD v4.1: 1 of 1,613,160 alleles (0.000062%); highest among the groups gnomAD compares: Non-Finnish European, 0.000085%; no homozygotes.

Submission:

Labcorp Genetics (formerly Invitae), Labcorp
Classification: Uncertain significance for Early-infantile DEE. Last evaluated: 2025-02-10. Review status: criteria provided, single submitter. Criteria: Invitae Variant Classification Sherloc (09022015). Collection method: clinical testing. Allele origin: germline.
Comment: This sequence change replaces threonine, which is neutral and polar, with alanine, which is neutral and non-polar, at codon 576 of the CACNA2D2 protein (p.Thr576Ala). This variant is not present in population databases (gnomAD no frequency). This variant has not been reported in the literature in individuals affected with CACNA2D2-related conditions. ClinVar contains an entry for this variant (Variation ID: 847488). An algorithm developed to predict the effect of missense changes on protein structure and function (PolyPhen-2) suggests that this variant is likely to be disruptive. In summary, the available evidence is currently insufficient to determine the role of this variant in disease. Therefore, it has been classified as a Variant of Uncertain Significance.

NM_006030.4(CACNA2D2):c.1726A>G (p.Thr576Ala)

Gene: CACNA2D2 (calcium voltage-gated channel auxiliary subunit alpha2delta 2; minus strand). Cytogenetic location: 3p21.31.
Variant type: single nucleotide variant.
Coding change: c.1726A>G on transcript NM_006030.4 (MANE Select); coding-DNA position 1726, A replaced by G.
Protein change: p.Thr576Ala; replaces threonine 576 with alanine.
Molecular consequence: missense variant.
Genome position (GRCh38, 1-based): chr3:50,376,010, T>C on the plus strand (A>G on the coding strand, the complement: CACNA2D2 is on the minus strand). VCF-style: chr3-50376010-T-C. GRCh37 (hg19) VCF-style: chr3-50413441-T-C.
Other names: c.1726A>G, p.Thr576Ala (NM_001005505.3, NM_001174051.3); c.1519A>G, p.Thr507Ala (NM_001291101.1); short protein forms T576A, T507A.
Identifiers: ClinVar variation 847488 (VCV000847488.7), dbSNP rs1704965054, ClinGen allele CA352924986.